The following is an entry in ClinVar:

ClinVar aggregate classification (germline): Conflicting classifications of pathogenicity. Review status: criteria provided, conflicting classifications (1 of 4 stars). 2 submissions from 2 submitters: Likely pathogenic (1); Uncertain significance (1). Last evaluated 2025-12-03.

Conditions:
Very long chain acyl-CoA dehydrogenase deficiency (ACADVLD). Also called: VLCAD Deficiency; Very Long-Chain Acyl-Coenzyme A Dehydrogenase Deficiency. Identifiers: Orphanet 26793, MedGen C3887523, MONDO:0008723, OMIM 201475.

Submissions (2):

Labcorp Genetics (formerly Invitae), Labcorp
Classification: Likely pathogenic for Very long chain acyl-CoA dehydrogenase deficiency. Last evaluated: 2025-12-03. Review status: criteria provided, single submitter. Criteria: Invitae Variant Classification Sherloc (09022015). Collection method: clinical testing. Allele origin: germline.
Comment: This sequence change replaces methionine, which is neutral and non-polar, with threonine, which is neutral and polar, at codon 334 of the ACADVL protein (p.Met334Thr). This variant is not present in population databases (gnomAD no frequency). This variant has not been reported in the literature in individuals affected with ACADVL-related conditions. ClinVar contains an entry for this variant (Variation ID: 2802858). Invitae Evidence Modeling of protein sequence and biophysical properties (such as structural, functional, and spatial information, amino acid conservation, physicochemical variation, residue mobility, and thermodynamic stability) indicates that this missense variant is expected to disrupt ACADVL protein function with a positive predictive value of 80%. This variant disrupts the p.Met334 amino acid residue in ACADVL. Other variant(s) that disrupt this residue have been determined to be pathogenic (PMID: 27209629; internal data). This suggests that this residue is clinically significant, and that variants that disrupt this residue are likely to be disease-causing. In summary, the currently available evidence indicates that the variant is pathogenic, but additional data are needed to prove that conclusively. Therefore, this variant has been classified as Likely Pathogenic.

Blueprint Genetics
Classification: Uncertain significance. Last evaluated: 2024-04-26. Review status: criteria provided, single submitter. Criteria: ACMG Guidelines, 2015. Collection method: clinical testing. Allele origin: germline.

Literature cited by the submitters: PubMed 27209629 (cited by Labcorp Genetics (formerly Invitae), Labcorp).

NM_000018.4(ACADVL):c.1001T>C (p.Met334Thr)

Gene: ACADVL (acyl-CoA dehydrogenase very long chain; plus strand). Cytogenetic location: 17p13.1.
Variant type: single nucleotide variant.
Coding change: c.1001T>C on transcript NM_000018.4 (MANE Select); coding-DNA position 1001, T replaced by C.
Protein change: p.Met334Thr; replaces methionine 334 with threonine.
Molecular consequence: missense variant.
Genome position (GRCh38, 1-based): chr17:7,222,789, T>C. VCF-style: chr17-7222789-T-C. GRCh37 (hg19) VCF-style: chr17-7126108-T-C.
Other names: c.935T>C, p.Met312Thr (NM_001033859.3); c.1070T>C, p.Met357Thr (NM_001270447.2); c.773T>C, p.Met258Thr (NM_001270448.2); short protein forms M258T, M312T, M357T, M334T.
Identifiers: ClinVar variation 2802858 (VCV002802858.5), dbSNP rs398123079, ClinGen allele CA397724136.